The following is an entry in ClinVar:

NM_000548.5(TSC2):c.4998C>G (p.Phe1666Leu)

Gene: TSC2 (TSC complex subunit 2; plus strand). Cytogenetic location: 16p13.3.
Variant type: single nucleotide variant.
Coding change: c.4998C>G on transcript NM_000548.5 (MANE Select); coding-DNA position 4998, C replaced by G.
Protein change: p.Phe1666Leu; replaces phenylalanine 1666 with leucine.
Molecular consequence: missense variant.
Genome position (GRCh38, 1-based): chr16:2,087,871, C>G. VCF-style: chr16-2087871-C-G. GRCh37 (hg19) VCF-style: chr16-2137872-C-G.
Other names: c.4797C>G, p.Phe1599Leu (NM_001077183.3); c.4929C>G, p.Phe1643Leu (NM_001114382.3); c.4689C>G, p.Phe1563Leu (NM_001318827.2); c.4653C>G, p.Phe1551Leu (NM_001318829.2); c.4266C>G, p.Phe1422Leu (NM_001318831.2); c.4830C>G, p.Phe1610Leu (NM_001318832.2); c.4800C>G, p.Phe1600Leu (NM_001363528.2); c.4866C>G, p.Phe1622Leu (NM_001370404.1); and 1 more; short protein forms F1599L, F1622L, F1551L, F1563L, F1422L, F1643L, F1666L, F1600L.
Identifiers: ClinVar variation 952882 (VCV000952882.10), dbSNP rs757221445, ClinGen allele CA394310991.

ClinVar aggregate classification (germline): Conflicting classifications of pathogenicity. Review status: criteria provided, conflicting classifications (1 of 4 stars). 2 submissions from 2 submitters: Uncertain significance (1); Likely benign (1). Last evaluated 2023-11-30.

Conditions:
Tuberous sclerosis 2 (TSC2). Identifiers: Orphanet 805, MedGen C1860707, MONDO:0013199, OMIM 613254.
Hereditary cancer-predisposing syndrome. Also called: Hereditary neoplastic syndrome; Tumor predisposition; Neoplastic Syndromes, Hereditary; Hereditary Cancer Syndrome. Identifiers: Orphanet 140162, MedGen C0027672, MeSH D009386, MONDO:0015356.

Submissions (2):

Ambry Genetics
Classification: Uncertain significance for Hereditary cancer-predisposing syndrome. Last evaluated: 2023-11-30. Review status: criteria provided, single submitter. Criteria: Ambry Variant Classification Scheme 2023. Collection method: clinical testing. Allele origin: germline.
Comment: The p.F1666L variant (also known as c.4998C>G), located in coding exon 38 of the TSC2 gene, results from a C to G substitution at nucleotide position 4998. The phenylalanine at codon 1666 is replaced by leucine, an amino acid with highly similar properties. This amino acid position is highly conserved in available vertebrate species. In addition, this alteration is predicted to be deleterious by in silico analysis. Since supporting evidence is limited at this time, the clinical significance of this alteration remains unclear.

Labcorp Genetics (formerly Invitae), Labcorp
Classification: Likely benign for Tuberous sclerosis 2. Last evaluated: 2023-07-11. Review status: criteria provided, single submitter. Criteria: Invitae Variant Classification Sherloc (09022015). Collection method: clinical testing. Allele origin: germline.